The following is an entry in ClinVar:

ClinVar aggregate classification (germline): Pathogenic. Review status: criteria provided, multiple submitters, no conflicts (2 of 4 stars). 2 submissions from 2 submitters: Pathogenic (2). Last evaluated 2024-05-14.

Conditions:
Retinitis pigmentosa 25 (RP25). Identifiers: Orphanet 791, MedGen C1864446, MONDO:0011272, OMIM 602772.

Submissions (2):

Myriad Genetics, Inc.
Classification: Pathogenic for Retinitis pigmentosa 25. Last evaluated: 2024-05-14. Review status: criteria provided, single submitter. Criteria: Myriad Autosomal Dominant, Autosomal Recessive and X-Linked Classification Criteria (2023). Collection method: clinical testing. Allele origin: unknown.
Comment: NM_001142800.1(EYS):c.1260delG(N421Mfs*8) is expected to be pathogenic in the context of retinitis pigmentosa, EYS-related. This variant is predicted to lead to an abnormal or absent protein product due to the creation of a premature termination codon in EYS, a gene where loss-of-function variants are known to be pathogenic. Please note: this variant was assessed in the context of healthy population screening.

Siriraj Ophthalmic Genetics Research, Faculty of Medicine Siriraj Hospital, Mahidol University
Classification: Pathogenic for Retinitis pigmentosa 25. Last evaluated: 2022-05-01. Review status: criteria provided, single submitter. Criteria: ACMG Guidelines, 2015. Collection method: research. Allele origin: germline. Affected: yes. Observed: 1 compound heterozygote.

NM_001142800.2(EYS):c.1260del (p.Asn421fs)

Gene: EYS (EGF-like photoreceptor maintenance factor; minus strand). Cytogenetic location: 6q12.
Variant type: Deletion.
Coding change: c.1260del on transcript NM_001142800.2 (MANE Select); coding-DNA position 1260, one base deleted (G; older notation c.1260delG).
Protein change: p.Asn421fs; shifts the reading frame from asparagine 421.
Molecular consequence: frameshift variant.
Genome position (GRCh38, 1-based): chr6:65,384,425, C deleted on the plus strand (G on the coding strand, the reverse complement: EYS is on the minus strand). VCF-style (leftmost placement, unchanged base first): chr6-65384424-TC-T. GRCh37 (hg19) VCF-style: chr6-66094317-TC-T.
Other names: c.1260del, p.Asn421fs (NM_001142801.2, NM_001292009.2, NM_198283.2); short protein forms N421fs.
Identifiers: ClinVar variation 1799505 (VCV001799505.2), dbSNP rs2533310146, ClinGen allele CA2580075672.